The following is an entry in ClinVar:

ClinVar aggregate classification (germline): Pathogenic (1 of 4 stars; one submission).

Conditions:
Walker-Warburg congenital muscular dystrophy. Also called: Muscular dystrophy-dystroglycanopathy, type A; Walker-Warburg syndrome. Identifiers: Orphanet 899, MedGen C0265221, MONDO:0000171.

Submission:

Labcorp Genetics (formerly Invitae), Labcorp
Classification: Pathogenic for Walker-Warburg congenital muscular dystrophy. Last evaluated: 2021-06-26. Review status: criteria provided, single submitter. Criteria: Invitae Variant Classification Sherloc (09022015). Collection method: clinical testing. Allele origin: germline.
Comment: For these reasons, this variant has been classified as Pathogenic. This variant disrupts the C-terminus of the FKRP protein. Other variant(s) that disrupt this region (p.Gln460*) have been determined to be pathogenic (PMID: 16476814, Invitae). This suggests that variants that disrupt this region of the protein are likely to be causative of disease. Algorithms developed to predict the effect of sequence changes on RNA splicing suggest that this variant may create or strengthen a splice site, but this prediction has not been confirmed by published transcriptional studies. This variant has not been reported in the literature in individuals with FKRP-related conditions. This variant is not present in population databases (ExAC no frequency). This sequence change creates a premature translational stop signal (p.Trp359Glyfs*69) in the FKRP gene. While this is not anticipated to result in nonsense mediated decay, it is expected to disrupt the last 137 amino acid(s) of the FKRP protein.

Literature cited by the submitters: PubMed 16476814.

NM_024301.5(FKRP):c.1075del (p.Trp359fs)

Gene: FKRP (fukutin related protein; plus strand). Cytogenetic location: 19q13.32.
Variant type: Deletion.
Coding change: c.1075del on transcript NM_024301.5 (MANE Select); coding-DNA position 1075, one base deleted (T; older notation c.1075delT).
Protein change: p.Trp359fs; shifts the reading frame from tryptophan 359.
Molecular consequence: frameshift variant.
Genome position (GRCh38, 1-based): chr19:46,756,525, T deleted. VCF-style (leftmost placement, unchanged base first): chr19-46756524-AT-A. GRCh37 (hg19) VCF-style: chr19-47259781-AT-A.
Other names: c.1075del, p.Trp359fs (NM_001039885.3); short protein forms W359fs.
Identifiers: ClinVar variation 1376288 (VCV001376288.8), dbSNP rs2122630850, ClinGen allele CA2573156480.